The following is an entry in ClinVar:

NM_000051.4(ATM):c.5675-5G>T

Gene: ATM (ATM serine/threonine kinase; plus strand). Cytogenetic location: 11q22.3.
Variant type: single nucleotide variant.
Coding change: c.5675-5G>T on transcript NM_000051.4 (MANE Select); 5 bases into the intron before coding-DNA position 5675, G replaced by T.
Molecular consequence: intron variant.
Genome position (GRCh38, 1-based): chr11:108,307,892, G>T. VCF-style: chr11-108307892-G-T. GRCh37 (hg19) VCF-style: chr11-108178619-G-T.
Other names: c.5675-5G>T (NM_001351834.2).
Identifiers: ClinVar variation 3254328 (VCV003254328.2), dbSNP rs1591731701.

ClinVar aggregate classification (germline): Likely benign. Review status: criteria provided, multiple submitters, no conflicts (2 of 4 stars). 2 submissions from 2 submitters: Likely benign (2). Last evaluated 2025-02-07.

Conditions:
Familial cancer of breast. Also called: BREAST CANCER, FAMILIAL; hereditary breast carcinoma; Hereditary breast cancer. Identifiers: Orphanet 227535, MedGen C0346153, MONDO:0016419, OMIM 114480. Disease mechanism: loss of function.
Ataxia-telangiectasia syndrome (AT). Also called: LOUIS-BAR SYNDROME; Cerebello-oculocutaneous telangiectasia; Immunodeficiency with ataxia telangiectasia; AT, COMPLEMENTATION GROUP C; Ataxia-telangiectasia, complementation group D; ATAXIA-TELANGIECTASIA, COMPLEMENTATION GROUP A. Identifiers: Orphanet 100, MedGen C0004135, MONDO:0008840, OMIM 208900.

Submissions (2):

Labcorp Genetics (formerly Invitae), Labcorp
Classification: Likely benign for Ataxia-telangiectasia syndrome. Last evaluated: 2025-02-07. Review status: criteria provided, single submitter. Criteria: Invitae Variant Classification Sherloc (09022015). Collection method: clinical testing. Allele origin: germline.

Myriad Genetics, Inc.
Classification: Likely benign for Familial cancer of breast. Last evaluated: 2024-05-24. Review status: criteria provided, single submitter. Criteria: Myriad Autosomal Dominant, Autosomal Recessive and X-Linked Classification Criteria (2023). Collection method: clinical testing. Allele origin: unknown.
Comment: This variant is considered likely benign. This variant is intronic and is not expected to impact mRNA splicing.